The following is an entry in ClinVar:

ClinVar aggregate classification (germline): Likely pathogenic (1 of 4 stars; one submission).

Submission:

Labcorp Genetics (formerly Invitae), Labcorp
Classification: Likely pathogenic. Last evaluated: 2025-03-24. Review status: criteria provided, single submitter. Criteria: Invitae Variant Classification Sherloc (09022015). Collection method: clinical testing. Allele origin: germline.
Comment: This sequence change affects a donor splice site in intron 1 of the IDH3A gene. It is expected to disrupt RNA splicing. Variants that disrupt the donor or acceptor splice site typically lead to a loss of protein function (PMID: 16199547), and loss-of-function variants in IDH3A are known to be pathogenic (PMID: 28412069). This variant is not present in population databases (gnomAD no frequency). This variant has not been reported in the literature in individuals affected with IDH3A-related conditions. Algorithms developed to predict the effect of sequence changes on RNA splicing suggest that this variant may disrupt the consensus splice site. In summary, the currently available evidence indicates that the variant is pathogenic, but additional data are needed to prove that conclusively. Therefore, this variant has been classified as Likely Pathogenic.

Literature cited by the submitters: PubMed 16199547; PubMed 28412069.

NM_005530.3(IDH3A):c.27+2T>G

Genes: IDH3A (isocitrate dehydrogenase (NAD(+)) 3 catalytic subunit alpha; plus strand), LOC130057684 (ATAC-STARR-seq lymphoblastoid silent region 6706; plus strand). Cytogenetic location: 15q25.1.
Variant type: single nucleotide variant.
Coding change: c.27+2T>G on transcript NM_005530.3 (MANE Select); the canonical splice donor site of the intron after coding-DNA position 27, T replaced by G.
Molecular consequence: splice donor variant.
Genome position (GRCh38, 1-based): chr15:78,149,432, T>G. VCF-style: chr15-78149432-T-G. GRCh37 (hg19) VCF-style: chr15-78441774-T-G.
Identifiers: ClinVar variation 4715378 (VCV004715378.1).
Genomic context (GRCh38, chr15:78,149,432, plus strand): 5'-CGGCTGTTGCTGCGGAGCCAGGAGGGGAAGCGATGGCTGGGCCCGCGTGGATCTCTAAGG[T>G]GAGCGCTGGCAGGCCGGCGTGTGGCAGGCAGGCAGGCCGCGAGGGCTGGCAGGAGAGCCG-3'